The following is an entry in ClinVar:

ClinVar aggregate classification (germline): Uncertain significance (1 of 4 stars; one submission).

Conditions:
Familial thoracic aortic aneurysm and aortic dissection (TAAD). Also called: Thoracic aortic aneurysms and dissections. Identifiers: Orphanet 91387, MedGen C4707243, MONDO:0019625.

Allele frequency attached by ClinVar (database versions not stated): gnomAD 0.00001.
gnomAD v4.1: 1 of 1,614,076 alleles (0.000062%); highest among the groups gnomAD compares: African/African-American, 0.0013%; no homozygotes.

Submission:

Ambry Genetics
Classification: Uncertain significance for Familial thoracic aortic aneurysm and aortic dissection. Last evaluated: 2022-12-18. Review status: criteria provided, single submitter. Criteria: Ambry Variant Classification Scheme 2023. Collection method: clinical testing. Allele origin: germline.
Comment: The p.E1503Q variant (also known as c.4507G>C), located in coding exon 31 of the MYH11 gene, results from a G to C substitution at nucleotide position 4507. The glutamic acid at codon 1503 is replaced by glutamine, an amino acid with highly similar properties. This amino acid position is conserved. In addition, the in silico prediction for this alteration is inconclusive. Since supporting evidence is limited at this time, the clinical significance of this alteration remains unclear.

NM_002474.3(MYH11):c.4507G>C (p.Glu1503Gln)

Genes: MYH11 (myosin heavy chain 11; minus strand), NDE1 (nudE neurodevelopment protein 1; plus strand). Cytogenetic location: 16p13.11.
Variant type: single nucleotide variant.
Coding change: c.4507G>C on transcript NM_002474.3 (MANE Select); coding-DNA position 4507, G replaced by C.
Protein change: p.Glu1503Gln; replaces glutamic acid 1503 with glutamine.
Molecular consequence: missense variant. On other transcripts: intron variant (2).
Genome position (GRCh38, 1-based): chr16:15,721,493, C>G on the plus strand (G>C on the coding strand, the complement: MYH11 is on the minus strand). VCF-style: chr16-15721493-C-G. GRCh37 (hg19) VCF-style: chr16-15815350-C-G.
Other names: c.4528G>C, p.Glu1510Gln (NM_001040113.2, NM_001040114.2); c.4507G>C, p.Glu1503Gln (NM_022844.3); c.948-2698C>G (NM_001143979.2, NM_017668.3); short protein forms E1503Q, E1510Q.
Identifiers: ClinVar variation 3222386 (VCV003222386.1), dbSNP rs766093291, ClinGen allele CA394855088.